The following is an entry in ClinVar:

ClinVar aggregate classification (germline): Uncertain significance (1 of 4 stars; one submission).

Submission:

Labcorp Genetics (formerly Invitae), Labcorp
Classification: Uncertain significance. Last evaluated: 2024-02-14. Review status: criteria provided, single submitter. Criteria: Invitae Variant Classification Sherloc (09022015). Collection method: clinical testing. Allele origin: germline.
Comment: This sequence change falls in intron 13 of the PCLO gene. It does not directly change the encoded amino acid sequence of the PCLO protein. It affects a nucleotide within the consensus splice site. This variant is not present in population databases (gnomAD no frequency). This variant has not been reported in the literature in individuals affected with PCLO-related conditions. Variants that disrupt the consensus splice site are a relatively common cause of aberrant splicing (PMID: 17576681, 9536098). Algorithms developed to predict the effect of sequence changes on RNA splicing suggest that this variant is not likely to affect RNA splicing. In summary, the available evidence is currently insufficient to determine the role of this variant in disease. Therefore, it has been classified as a Variant of Uncertain Significance.

Literature cited by the submitters: PubMed 17576681; PubMed 9536098.

NM_033026.6(PCLO):c.14047-3C>T

Gene: PCLO (piccolo presynaptic cytomatrix protein; minus strand). Cytogenetic location: 7q21.11.
Variant type: single nucleotide variant.
Coding change: c.14047-3C>T on transcript NM_033026.6 (MANE Select); 3 bases into the intron before coding-DNA position 14047, C replaced by T.
Molecular consequence: intron variant.
Genome position (GRCh38, 1-based): chr7:82,841,512, G>A on the plus strand (C>T on the coding strand, the complement: PCLO is on the minus strand). VCF-style: chr7-82841512-G-A. GRCh37 (hg19) VCF-style: chr7-82470828-G-A.
Other names: c.14047-3C>T (NM_014510.3).
Identifiers: ClinVar variation 3680404 (VCV003680404.2).